The following is an entry in ClinVar:

NM_032043.3(BRIP1):c.566C>A (p.Ser189Ter)

Gene: BRIP1 (BRCA1 interacting DNA helicase 1; minus strand). Cytogenetic location: 17q23.2.
Variant type: single nucleotide variant.
Coding change: c.566C>A on transcript NM_032043.3 (MANE Select); coding-DNA position 566, C replaced by A.
Protein change: p.Ser189Ter; replaces serine 189 with a stop codon.
Molecular consequence: nonsense.
Genome position (GRCh38, 1-based): chr17:61,847,162, G>T on the plus strand (C>A on the coding strand, the complement: BRIP1 is on the minus strand). VCF-style: chr17-61847162-G-T. GRCh37 (hg19) VCF-style: chr17-59924523-G-T.
Other names: short protein forms S189*.
Identifiers: ClinVar variation 2584183 (VCV002584183.2), dbSNP rs1555615763, ClinGen allele CA400483081.

ClinVar aggregate classification (germline): Pathogenic (1 of 4 stars; one submission).

Conditions:
Familial cancer of breast. Also called: BREAST CANCER, FAMILIAL; hereditary breast carcinoma; Hereditary breast cancer. Identifiers: Orphanet 227535, MedGen C0346153, MONDO:0016419, OMIM 114480. Disease mechanism: loss of function.

Submission:

Myriad Genetics, Inc.
Classification: Pathogenic for Familial cancer of breast. Last evaluated: 2023-05-31. Review status: criteria provided, single submitter. Criteria: Myriad Autosomal Dominant, Autosomal Recessive and X-Linked Classification Criteria (2023). Collection method: clinical testing. Allele origin: unknown.
Comment: This variant is considered pathogenic. This variant creates a termination codon and is predicted to result in premature protein truncation.